The following is an entry in ClinVar:

NM_203447.4(DOCK8):c.2654G>A (p.Arg885His)

Gene: DOCK8 (dedicator of cytokinesis 8; plus strand). Cytogenetic location: 9p24.3.
Variant type: single nucleotide variant.
Coding change: c.2654G>A on transcript NM_203447.4 (MANE Select); coding-DNA position 2654, G replaced by A.
Protein change: p.Arg885His; replaces arginine 885 with histidine.
Molecular consequence: missense variant.
Genome position (GRCh38, 1-based): chr9:382,561, G>A. VCF-style: chr9-382561-G-A. GRCh37 (hg19) VCF-style: chr9-382561-G-A.
Other names: c.2450G>A, p.Arg817His (NM_001190458.2, NM_001193536.2); short protein forms R885H, R817H.
Identifiers: ClinVar variation 966041 (VCV000966041.8), dbSNP rs755881130, ClinGen allele CA4958279.

ClinVar aggregate classification (germline): Uncertain significance (1 of 4 stars; one submission).

Conditions:
Combined immunodeficiency due to DOCK8 deficiency (HIES2). Also called: HIES autosomal recessive; DOCK8 Deficiency; Hyper-IgE recurrent infection syndrome, autosomal recessive; HYPER-IgE SYNDROME 2, AUTOSOMAL RECESSIVE, WITH RECURRENT INFECTIONS; HYPER-IgE RECURRENT INFECTION SYNDROME 2, AUTOSOMAL RECESSIVE. Identifiers: Orphanet 217390, MedGen C4722305, MONDO:0009478, OMIM 243700.

Allele frequency attached by ClinVar (database versions not stated): gnomAD 0.00001; TOPMed 0.00001; ExAC 0.00002; gnomAD exomes 0.00002.
gnomAD v4.1: 26 of 1,613,934 alleles (0.0016%); highest among the groups gnomAD compares: Admixed American, 0.0033%; no homozygotes.

Submission:

Labcorp Genetics (formerly Invitae), Labcorp
Classification: Uncertain significance for Combined immunodeficiency due to DOCK8 deficiency. Last evaluated: 2025-12-16. Review status: criteria provided, single submitter. Criteria: Invitae Variant Classification Sherloc (09022015). Collection method: clinical testing. Allele origin: germline.
Comment: This sequence change replaces arginine, which is basic and polar, with histidine, which is basic and polar, at codon 885 of the DOCK8 protein (p.Arg885His). This variant is present in population databases (rs755881130, gnomAD 0.006%). This variant has not been reported in the literature in individuals affected with DOCK8-related conditions. ClinVar contains an entry for this variant (Variation ID: 966041). Invitae Evidence Modeling of protein sequence and biophysical properties (such as structural, functional, and spatial information, amino acid conservation, physicochemical variation, residue mobility, and thermodynamic stability) indicates that this missense variant is expected to disrupt DOCK8 protein function with a positive predictive value of 80%. In summary, the available evidence is currently insufficient to determine the role of this variant in disease. Therefore, it has been classified as a Variant of Uncertain Significance.